The following is an entry in ClinVar:

ClinVar aggregate classification (germline): Uncertain significance (1 of 4 stars; one submission).

Submission:

GeneDx
Classification: Uncertain significance. Last evaluated: 2024-06-28. Review status: criteria provided, single submitter. Criteria: GeneDx Variant Classification Process June 2021. Collection method: clinical testing. Allele origin: germline. Affected: yes.
Comment: Not observed at significant frequency in large population cohorts (gnomAD); In-frame duplication of 2 amino acids in a non-repeat region; Has not been previously published as pathogenic or benign to our knowledge

NM_007118.4(TRIO):c.7198_7203dup (p.Gly2401_Ser2402insGluGly)

Gene: TRIO (trio Rho guanine nucleotide exchange factor; plus strand). Cytogenetic location: 5p15.2.
Variant type: Duplication.
Coding change: c.7198_7203dup on transcript NM_007118.4 (MANE Select); coding-DNA positions 7198 to 7203, 6 bases duplicated (GAGGGG; older notation c.7198_7203dupGAGGGG).
Protein change: p.Gly2401_Ser2402insGluGly.
Molecular consequence: inframe insertion.
Genome position (GRCh38, 1-based): chr5:14,487,826-14,487,831, GAGGGG duplicated. VCF-style (leftmost placement, unchanged base first): chr5-14487825-C-CGAGGGG. GRCh37 (hg19) VCF-style: chr5-14487934-C-CGAGGGG.
Identifiers: ClinVar variation 1700806 (VCV001700806.3), dbSNP rs2126637191, ClinGen allele CA2580072153.
Genomic context (GRCh38, chr5:14,487,825, plus strand): 5'-TGGCGCGGCCCCCGAGGCCGGCCCCAGCGCGCCCAGCAGGCGGCCCCCCGGCGCGGACGC[C>CGAGGGG]GAGGGGTCCGAGCGAGAAGCGGAGCCGATCCCCAAGATGAAGGTGCTGGAGAGCCCCAGG-3'